The following is an entry in ClinVar:

NM_201384.3(PLEC):c.8530G>T (p.Ala2844Ser)

Gene: PLEC (plectin; minus strand). Cytogenetic location: 8q24.3.
Variant type: single nucleotide variant.
Coding change: c.8530G>T on transcript NM_201384.3 (MANE Select); coding-DNA position 8530, G replaced by T.
Protein change: p.Ala2844Ser; replaces alanine 2844 with serine.
Molecular consequence: missense variant.
Genome position (GRCh38, 1-based): chr8:143,921,291, C>A on the plus strand (G>T on the coding strand, the complement: PLEC is on the minus strand). VCF-style: chr8-143921291-C-A. GRCh37 (hg19) VCF-style: chr8-144995459-C-A.
Other names: c.8434G>T, p.Ala2812Ser (NM_201381.3); c.8530G>T, p.Ala2844Ser (NM_201382.4); c.8542G>T, p.Ala2848Ser (NM_201383.3); c.8611G>T, p.Ala2871Ser (NM_000445.5); c.8488G>T, p.Ala2830Ser (NM_201378.4); c.8464G>T, p.Ala2822Ser (NM_201379.3); c.8941G>T, p.Ala2981Ser (NM_201380.4); short protein forms A2822S, A2981S, A2812S, A2844S, A2848S, A2871S, A2830S.
Identifiers: ClinVar variation 538979 (VCV000538979.4), dbSNP rs1554684937, ClinGen allele CA372515859.

ClinVar aggregate classification (germline): Uncertain significance (1 of 4 stars; one submission).

Conditions:
Epidermolysis bullosa simplex with nail dystrophy (EBS5D). Identifiers: MedGen C4225309, MONDO:0014661, OMIM 616487.
Epidermolysis bullosa simplex 5B, with muscular dystrophy (EBS5B). Also called: EPIDERMOLYSIS BULLOSA SIMPLEX AND LIMB-GIRDLE MUSCULAR DYSTROPHY; Epidermolysis bullosa simplex with muscular dystrophy. Identifiers: Orphanet 257, MedGen C2931072, MONDO:0009181, OMIM 226670.
Epidermolysis bullosa simplex, Ogna type (EBS5A). Also called: Pidermolysis bullosa simplex 5A, Ogna type; EPIDERMOLYSIS BULLOSA SIMPLEX 5A, OGNA TYPE. Identifiers: Orphanet 79401, MedGen C0432317, MONDO:0007555, OMIM 131950.
Autosomal recessive limb-girdle muscular dystrophy type 2Q (LGMDR17). Also called: MUSCULAR DYSTROPHY, LIMB-GIRDLE, AUTOSOMAL RECESSIVE 17. Identifiers: Orphanet 254361, MedGen C3150989, MONDO:0013390, OMIM 613723.
Epidermolysis bullosa simplex 5C, with pyloric atresia (EBS5C). Also called: PLEC-Related Epidermolysis Bullosa with Pyloric Atresia; Epidermolysis bullosa simplex with pyloric atresia; PLEC1-Related Epidermolysis Bullosa with Pyloric Atresia. Identifiers: Orphanet 158684, MedGen C2677349, MONDO:0012807, OMIM 612138.

Allele frequency attached by ClinVar (database versions not stated): TOPMed 0.00001.
gnomAD v4.1: 3 of 1,614,048 alleles (0.00019%); highest among the groups gnomAD compares: Admixed American, 0.0033%; no homozygotes.

Submission:

Labcorp Genetics (formerly Invitae), Labcorp
Classification: Uncertain significance for Autosomal recessive limb-girdle muscular dystrophy type 2Q; Epidermolysis bullosa simplex, Ogna type; Epidermolysis bullosa simplex with nail dystrophy; Epidermolysis bullosa simplex 5C, with pyloric atresia; Epidermolysis bullosa simplex 5B, with muscular dystrophy. Last evaluated: 2021-09-01. Review status: criteria provided, single submitter. Criteria: Invitae Variant Classification Sherloc (09022015). Collection method: clinical testing. Allele origin: germline.
Comment: This sequence change replaces alanine with serine at codon 2871 of the PLEC protein (p.Ala2871Ser). The alanine residue is moderately conserved and there is a moderate physicochemical difference between alanine and serine. This variant is not present in population databases (ExAC no frequency). This variant has not been reported in the literature in individuals affected with PLEC-related conditions. Algorithms developed to predict the effect of missense changes on protein structure and function output the following: SIFT: "Tolerated"; PolyPhen-2: "Benign"; Align-GVGD: "Class C0". The serine amino acid residue is found in multiple mammalian species, which suggests that this missense change does not adversely affect protein function. In summary, the available evidence is currently insufficient to determine the role of this variant in disease. Therefore, it has been classified as a Variant of Uncertain Significance.